The following is an entry in ClinVar:

NM_000154.2(GALK1):c.331A>T (p.Lys111Ter)

Gene: GALK1 (galactokinase 1; minus strand). Cytogenetic location: 17q25.1.
Variant type: single nucleotide variant.
Coding change: c.331A>T on transcript NM_000154.2 (MANE Select); coding-DNA position 331, A replaced by T.
Protein change: p.Lys111Ter; replaces lysine 111 with a stop codon.
Molecular consequence: nonsense.
Genome position (GRCh38, 1-based): chr17:75,763,921, T>A on the plus strand (A>T on the coding strand, the complement: GALK1 is on the minus strand). VCF-style: chr17-75763921-T-A. GRCh37 (hg19) VCF-style: chr17-73760002-T-A.
Other names: c.331A>T, p.Lys111Ter (NM_001381985.1); short protein forms K111*.
Identifiers: ClinVar variation 1726847 (VCV001726847.2), dbSNP rs773991014, ClinGen allele CA401106316.

ClinVar aggregate classification (germline): Likely pathogenic (1 of 4 stars; one submission).

Conditions:
Deficiency of galactokinase. Also called: GALACTOSEMIA II; Galactokinase deficiency with cataracts. Identifiers: Orphanet 352, Orphanet 79237, MedGen C0268155, MONDO:0009255, OMIM 230200.

Submission:

Myriad Genetics, Inc.
Classification: Likely pathogenic for Deficiency of galactokinase. Last evaluated: 2022-01-02. Review status: criteria provided, single submitter. Criteria: Myriad Women's Health Autosomal Recessive and X-Linked Classification Criteria (2021). Collection method: clinical testing. Allele origin: unknown.
Comment: NM_000154.1(GALK1):c.331A>T(K111*) is expected to be pathogenic in the context of galactokinase deficiency. This variant is predicted to lead to an abnormal or absent protein product due to the creation of a premature termination codon in GALK1, a gene where loss-of-function variants are known to be pathogenic. Please note: this variant was assessed in the context of healthy population screening.